The following is an entry in ClinVar:

ClinVar aggregate classification (germline): Uncertain significance (1 of 4 stars; one submission).

Allele frequency attached by ClinVar (database versions not stated): gnomAD exomes below 0.00001.
gnomAD v4.1: 1 of 1,614,270 alleles (0.000062%); highest among the groups gnomAD compares: Non-Finnish European, 0.000085%; no homozygotes.

Submission:

CeGaT Center for Human Genetics Tuebingen
Classification: Uncertain significance. Last evaluated: 2024-01-01. Review status: criteria provided, single submitter. Criteria: CeGaT Center For Human Genetics Tuebingen Variant Classification Criteria Version 2. Collection method: clinical testing. Allele origin: germline. Affected: yes. Observed: 1 variant allele.
Comment: KIDINS220: PM2, BP4

NM_020738.4(KIDINS220):c.5227A>G (p.Thr1743Ala)

Gene: KIDINS220 (kinase D interacting substrate 220; minus strand). Cytogenetic location: 2p25.1.
Variant type: single nucleotide variant.
Coding change: c.5227A>G on transcript NM_020738.4 (MANE Select); coding-DNA position 5227, A replaced by G.
Protein change: p.Thr1743Ala; replaces threonine 1743 with alanine.
Molecular consequence: missense variant. On other transcripts: intron variant (6).
Genome position (GRCh38, 1-based): chr2:8,730,809, T>C on the plus strand (A>G on the coding strand, the complement: KIDINS220 is on the minus strand). VCF-style: chr2-8730809-T-C. GRCh37 (hg19) VCF-style: chr2-8870939-T-C.
Other names: c.5230A>G, p.Thr1744Ala (NM_001348729.2); c.5173A>G, p.Thr1725Ala (NM_001348731.2); c.5170A>G, p.Thr1724Ala (NM_001348732.2); c.5059A>G, p.Thr1687Ala (NM_001348734.2); c.5056A>G, p.Thr1686Ala (NM_001348735.2); c.4930A>G, p.Thr1644Ala (NM_001348736.2); c.3882+2635A>G (NM_001348741.2, NM_001348742.2, NM_001348743.2); c.3996+2635A>G (NM_001348738.2); and 1 more; short protein forms T1644A, T1686A, T1687A, T1724A, T1725A, T1743A, T1744A.
Identifiers: ClinVar variation 3025894 (VCV003025894.22), dbSNP rs1035747423, ClinGen allele CA42327588.